The following is an entry in ClinVar:

ClinVar aggregate classification (germline): Uncertain significance (1 of 4 stars; one submission).

Conditions:
Neonatal-onset encephalopathy with rigidity and seizures. Also called: Lethal neonatal spasticity-epileptic encephalopathy syndrome. Identifiers: Orphanet 435845, MedGen C3281029, MONDO:0013784, OMIM 614498.

Allele frequency attached by ClinVar (database versions not stated): gnomAD exomes below 0.00001; ExAC 0.00001.

Submission:

Labcorp Genetics (formerly Invitae), Labcorp
Classification: Uncertain significance for Neonatal-onset encephalopathy with rigidity and seizures. Last evaluated: 2022-07-19. Review status: criteria provided, single submitter. Criteria: Invitae Variant Classification Sherloc (09022015). Collection method: clinical testing. Allele origin: germline.
Comment: This sequence change replaces methionine, which is neutral and non-polar, with isoleucine, which is neutral and non-polar, at codon 775 of the BRAT1 protein (p.Met775Ile). This variant is not present in population databases (gnomAD no frequency). This variant has not been reported in the literature in individuals affected with BRAT1-related conditions. ClinVar contains an entry for this variant (Variation ID: 1432841). Algorithms developed to predict the effect of missense changes on protein structure and function output the following: SIFT: "Tolerated"; PolyPhen-2: "Benign"; Align-GVGD: "Class C0". The isoleucine amino acid residue is found in multiple mammalian species, which suggests that this missense change does not adversely affect protein function. In summary, the available evidence is currently insufficient to determine the role of this variant in disease. Therefore, it has been classified as a Variant of Uncertain Significance.

NM_152743.4(BRAT1):c.2325G>A (p.Met775Ile)

Gene: BRAT1 (BRCA1 associated ATM activator 1; minus strand). Cytogenetic location: 7p22.3.
Variant type: single nucleotide variant.
Coding change: c.2325G>A on transcript NM_152743.4 (MANE Select); coding-DNA position 2325, G replaced by A.
Protein change: p.Met775Ile; replaces methionine 775 with isoleucine.
Molecular consequence: missense variant. On other transcripts: non-coding transcript variant (1).
Genome position (GRCh38, 1-based): chr7:2,538,210, C>T on the plus strand (G>A on the coding strand, the complement: BRAT1 is on the minus strand). VCF-style: chr7-2538210-C-T. GRCh37 (hg19) VCF-style: chr7-2577844-C-T.
Other names: c.2505G>A, p.Met835Ile (NM_001350626.2); c.1800G>A, p.Met600Ile (NM_001350627.2); short protein forms M775I, M600I, M835I.
Identifiers: ClinVar variation 1432841 (VCV001432841.8), dbSNP rs747280032, ClinGen allele CA4127389.